The following is an entry in ClinVar:

ClinVar aggregate classification (germline): Uncertain significance (1 of 4 stars; one submission).

Conditions:
Primary dilated cardiomyopathy (DCM). Also called: Dilated Cardiomyopathy. Identifiers: Orphanet 217604, MedGen C0007193, MeSH D002311, MONDO:0005021, HP:0001644. Inheritance: Various modes of inheritance.

Submission:

Labcorp Genetics (formerly Invitae), Labcorp
Classification: Uncertain significance for Primary dilated cardiomyopathy. Last evaluated: 2021-02-24. Review status: criteria provided, single submitter. Criteria: Invitae Variant Classification Sherloc (09022015). Collection method: clinical testing. Allele origin: germline.
Comment: In summary, the available evidence is currently insufficient to determine the role of this variant in disease. Therefore, it has been classified as a Variant of Uncertain Significance. Nucleotide substitutions within the consensus splice site are a relatively common cause of aberrant splicing (PMID: 17576681, 9536098). Algorithms developed to predict the effect of sequence changes on RNA splicing suggest that this variant may disrupt the consensus splice site, but this prediction has not been confirmed by published transcriptional studies. This sequence change falls in intron 9 of the NEBL gene. It does not directly change the encoded amino acid sequence of the NEBL protein. It affects a nucleotide within the consensus splice site of the intron. This variant is not present in population databases (ExAC no frequency). This variant has not been reported in the literature in individuals with NEBL-related conditions.

Literature cited by the submitters: PubMed 17576681; PubMed 9536098.

NM_006393.3(NEBL):c.903+4dup

Gene: NEBL (nebulette; minus strand). Cytogenetic location: 10p12.31.
Variant type: Duplication.
Coding change: c.903+4dup on transcript NM_006393.3 (MANE Select); 4 bases into the intron after coding-DNA position 903, one base duplicated (A; older notation c.903+4dupA).
Molecular consequence: intron variant.
Genome position (GRCh38, 1-based): chr10:20,858,236, T duplicated on the plus strand (A on the coding strand, the reverse complement: NEBL is on the minus strand); the first of 2 consecutive T bases (chr10:20,858,236-20,858,237); duplicating either gives the same sequence. VCF-style (leftmost placement, unchanged base first): chr10-20858235-C-CT. GRCh37 (hg19) VCF-style: chr10-21147164-C-CT.
Other names: c.250-45296dup (NM_001377326.1, NM_001377327.1, NM_001377328.1); c.358-45296dup (NM_213569.2, NM_001173484.2, NM_001377322.1); c.301-45296dup (NM_001377324.1); c.292-45296dup (NM_001377325.1); c.310-45296dup (NM_001377323.1).
Identifiers: ClinVar variation 1410539 (VCV001410539.6), dbSNP rs1564391383, ClinGen allele CA591876353.
Genomic context (GRCh38, chr10:20,858,235, plus strand): 5'-CTGCAGACATATTGGCTTCTTGGAGCCACAAGGCAACTACGGTTGCCGCTAGATGAACCA[C>CT]TTACGCCGCTGAGCATTTTGCTGGCTTTCAAAACATGGTCTAAAAACAACAAATTTGGGA-3'